The following is an entry in ClinVar:

ClinVar aggregate classification (germline): Uncertain significance. Review status: criteria provided, multiple submitters, no conflicts (2 of 4 stars). 5 submissions from 3 submitters: Uncertain significance (5). Last evaluated 2023-04-11.

Conditions:
Pigmented paravenous retinochoroidal atrophy. Identifiers: Orphanet 251295, MedGen C1868310, MONDO:0008246, OMIM 172870.
Leber congenital amaurosis 8 (LCA8). Identifiers: Orphanet 65, MedGen C3151202, MONDO:0013453, OMIM 613835.
Retinitis pigmentosa 12 (RP12). Also called: RP WITH OR WITHOUT PPRPE; RP WITH OR WITHOUT PRESERVED PARAARTERIOLE RETINAL PIGMENT EPITHELIUM; RETINITIS PIGMENTOSA WITH OR WITHOUT PARAARTERIOLAR PRESERVATION OF RETINAL PIGMENT EPITHELIUM. Identifiers: Orphanet 791, MedGen C1838647, MONDO:0010818, OMIM 600105.

Allele frequency attached by ClinVar (database versions not stated): gnomAD exomes below 0.00001.
gnomAD v4.1: 1 of 1,612,588 alleles (0.000062%); highest among the groups gnomAD compares: Non-Finnish European, 0.000085%; no homozygotes.

Submissions (5):

Genome-Nilou Lab
Classification: Uncertain significance for Leber congenital amaurosis 8. Last evaluated: 2023-04-11. Review status: criteria provided, single submitter. Criteria: ACMG Guidelines, 2015. Collection method: clinical testing. Allele origin: germline. Affected: no.

Genome-Nilou Lab
Classification: Uncertain significance for Pigmented paravenous retinochoroidal atrophy. Last evaluated: 2023-04-11. Review status: criteria provided, single submitter. Criteria: ACMG Guidelines, 2015. Collection method: clinical testing. Allele origin: germline. Affected: no.

Genome-Nilou Lab
Classification: Uncertain significance for Retinitis pigmentosa 12. Last evaluated: 2023-04-11. Review status: criteria provided, single submitter. Criteria: ACMG Guidelines, 2015. Collection method: clinical testing. Allele origin: germline. Affected: no.

Labcorp Genetics (formerly Invitae), Labcorp
Classification: Uncertain significance for Leber congenital amaurosis 8; Retinitis pigmentosa 12. Last evaluated: 2021-08-11. Review status: criteria provided, single submitter. Criteria: Invitae Variant Classification Sherloc (09022015). Collection method: clinical testing. Allele origin: germline.
Comment: This sequence change replaces cysteine with tyrosine at codon 1283 of the CRB1 protein (p.Cys1283Tyr). The cysteine residue is highly conserved and there is a large physicochemical difference between cysteine and tyrosine. This variant is not present in population databases (ExAC no frequency). This missense change has been observed in individual(s) with Leber congenital amaurosis (Invitae). ClinVar contains an entry for this variant (Variation ID: 865861). Advanced modeling of protein sequence and biophysical properties (such as structural, functional, and spatial information, amino acid conservation, physicochemical variation, residue mobility, and thermodynamic stability) performed at Invitae indicates that this missense variant is expected to disrupt CRB1 protein function. In summary, the available evidence is currently insufficient to determine the role of this variant in disease. Therefore, it has been classified as a Variant of Uncertain Significance.

Blueprint Genetics
Classification: Uncertain significance. Last evaluated: 2019-01-22. Review status: criteria provided, single submitter. Criteria: ACMG Guidelines, 2015. Collection method: clinical testing. Allele origin: germline.

NM_201253.3(CRB1):c.3848G>A (p.Cys1283Tyr)

Gene: CRB1 (crumbs cell polarity complex component 1; plus strand). Cytogenetic location: 1q31.3.
Variant type: single nucleotide variant.
Coding change: c.3848G>A on transcript NM_201253.3 (MANE Select); coding-DNA position 3848, G replaced by A.
Protein change: p.Cys1283Tyr; replaces cysteine 1283 with tyrosine.
Molecular consequence: missense variant. On other transcripts: non-coding transcript variant (2).
Genome position (GRCh38, 1-based): chr1:197,438,645, G>A. VCF-style: chr1-197438645-G-A. GRCh37 (hg19) VCF-style: chr1-197407775-G-A.
Other names: c.3512G>A, p.Cys1171Tyr (NM_001193640.2); c.3776G>A, p.Cys1259Tyr (NM_001257965.2); c.2240G>A, p.Cys747Tyr (NM_001257966.2); short protein forms C747Y, C1259Y, C1283Y, C1171Y.
Identifiers: ClinVar variation 865861 (VCV000865861.9), dbSNP rs1665279435, ClinGen allele CA344050950.